The following is an entry in ClinVar:

ClinVar aggregate classification (germline): Uncertain significance (1 of 4 stars; one submission).

Conditions:
Primary ciliary dyskinesia. Also called: Ciliary dyskinesia. Identifiers: Orphanet 244, MedGen C0008780, MONDO:0016575, HP:0012265.

gnomAD v4.1: 67 of 1,613,874 alleles (0.0042%); highest among the groups gnomAD compares: Non-Finnish European, 0.0054%; no homozygotes.

Submission:

Ambry Genetics
Classification: Uncertain significance for Primary ciliary dyskinesia. Last evaluated: 2024-07-30. Review status: criteria provided, single submitter. Criteria: Ambry Variant Classification Scheme 2023. Collection method: clinical testing. Allele origin: germline.
Comment: The p.E532D variant (also known as c.1596A>C), located in coding exon 1 of the DNAAF2 gene, results from an A to C substitution at nucleotide position 1596. The glutamic acid at codon 532 is replaced by aspartic acid, an amino acid with highly similar properties. This amino acid position is conserved. In addition, this alteration is predicted to be tolerated by in silico analysis. Based on the available evidence, the clinical significance of this variant remains unclear.

NM_018139.3(DNAAF2):c.1596A>C (p.Glu532Asp)

Gene: DNAAF2 (dynein axonemal assembly factor 2; minus strand). Cytogenetic location: 14q21.3.
Variant type: single nucleotide variant.
Coding change: c.1596A>C on transcript NM_018139.3 (MANE Select); coding-DNA position 1596, A replaced by C.
Protein change: p.Glu532Asp; replaces glutamic acid 532 with aspartic acid.
Molecular consequence: missense variant. On other transcripts: 5 prime UTR variant (1).
Genome position (GRCh38, 1-based): chr14:49,633,554, T>G on the plus strand (A>C on the coding strand, the complement: DNAAF2 is on the minus strand). VCF-style: chr14-49633554-T-G. GRCh37 (hg19) VCF-style: chr14-50100272-T-G.
Other names: c.1596A>C, p.Glu532Asp (NM_001083908.2); c.-276A>C (NM_001378453.1); short protein forms E532D.
Identifiers: ClinVar variation 3502873 (VCV003502873.1).